The following is an entry in ClinVar:

ClinVar aggregate classification (germline): Likely benign. Review status: criteria provided, multiple submitters, no conflicts (2 of 4 stars). 3 submissions from 3 submitters: Likely benign (3). Last evaluated 2025-12-01.

Conditions:
Brown-Vialetto-van Laere syndrome 2. Also called: Riboflavin transporter deficiency type 2; SPINOCEREBELLAR ATAXIA WITH BLINDNESS AND DEAFNESS 2. Identifiers: Orphanet 572543, Orphanet 97229, MedGen C3553538, MONDO:0013867, OMIM 614707.

Allele frequency attached by ClinVar (database versions not stated): gnomAD 0.00002 and 0.00001; gnomAD exomes 0.00003 and 0.00008; ExAC 0.00009; TOPMed 0.00005.
gnomAD v4.1: 56 of 1,587,082 alleles (0.0035%); highest among the groups gnomAD compares: East Asian, 0.047%; 1 homozygote.

Submissions (3):

Labcorp Genetics (formerly Invitae), Labcorp
Classification: Likely benign for Brown-Vialetto-van Laere syndrome 2. Last evaluated: 2025-12-01. Review status: criteria provided, single submitter. Criteria: Invitae Variant Classification Sherloc (09022015). Collection method: clinical testing. Allele origin: germline.

Blueprint Genetics
Classification: Likely benign. Last evaluated: 2021-11-16. Review status: criteria provided, single submitter. Criteria: ACMG Guidelines, 2015. Collection method: clinical testing. Allele origin: germline.

GeneDx
Classification: Likely benign. Last evaluated: 2017-01-11. Review status: criteria provided, single submitter. Criteria: GeneDx Variant Classification (06012015). Collection method: clinical testing. Allele origin: germline. Affected: yes.
Comment: This variant is considered likely benign or benign based on one or more of the following criteria: it is a conservative change, it occurs at a poorly conserved position in the protein, it is predicted to be benign by multiple in silico algorithms, and/or has population frequency not consistent with disease.

NM_001363118.2(SLC52A2):c.1001+20C>T

Gene: SLC52A2 (solute carrier family 52 member 2; plus strand). Cytogenetic location: 8q24.3.
Variant type: single nucleotide variant.
Coding change: c.1001+20C>T on transcript NM_001363118.2 (MANE Select); 20 bases into the intron after coding-DNA position 1001, C replaced by T.
Molecular consequence: intron variant.
Genome position (GRCh38, 1-based): chr8:144,360,513, C>T. VCF-style: chr8-144360513-C-T. GRCh37 (hg19) VCF-style: chr8-145584173-C-T.
Other names: c.1001+20C>T (NM_001253816.2, NM_001363121.2, NM_001363120.2 and 2 more transcripts); c.509+20C>T (NM_001363122.2).
Identifiers: ClinVar variation 392710 (VCV000392710.10), dbSNP rs782320817, ClinGen allele CA4938331.
Genomic context (GRCh38, chr8:144,360,513, plus strand): 5'-AATCCCCTGGCCTGCTTCCTGGCCATGGGTGTGCTGTGCAGGTACACAAGGACCCCCAGC[C>T]CCTGTGCGGGTGGAACTCAGGGCTAGGAGCCAGGTCCTGGCGCAGTCAGCCCTGACATTC-3'